The following is an entry in ClinVar:

NM_015072.5(TTLL5):c.371G>A (p.Arg124Lys)

Gene: TTLL5 (tubulin tyrosine ligase like 5; plus strand). Cytogenetic location: 14q24.3.
Variant type: single nucleotide variant.
Coding change: c.371G>A on transcript NM_015072.5 (MANE Select); coding-DNA position 371, G replaced by A.
Protein change: p.Arg124Lys; replaces arginine 124 with lysine.
Molecular consequence: missense variant.
Genome position (GRCh38, 1-based): chr14:75,683,656, G>A. VCF-style: chr14-75683656-G-A. GRCh37 (hg19) VCF-style: chr14-76149999-G-A.
Other names: short protein forms R124K.
Identifiers: ClinVar variation 1924480 (VCV001924480.2), dbSNP rs1484442636, ClinGen allele CA390452613.

ClinVar aggregate classification (germline): Uncertain significance (1 of 4 stars; one submission).

Allele frequency attached by ClinVar (database versions not stated): gnomAD 0.00001; TOPMed 0.00001.
gnomAD v4.1: 3 of 1,611,882 alleles (0.00019%); highest among the groups gnomAD compares: Non-Finnish European, 0.00025%; no homozygotes.

Submission:

Labcorp Genetics (formerly Invitae), Labcorp
Classification: Uncertain significance. Last evaluated: 2022-02-20. Review status: criteria provided, single submitter. Criteria: Invitae Variant Classification Sherloc (09022015). Collection method: clinical testing. Allele origin: germline.
Comment: This sequence change replaces arginine, which is basic and polar, with lysine, which is basic and polar, at codon 124 of the TTLL5 protein (p.Arg124Lys). This variant also falls at the last nucleotide of exon 5, which is part of the consensus splice site for this exon. This variant is not present in population databases (gnomAD no frequency). This variant has not been reported in the literature in individuals affected with TTLL5-related conditions. Algorithms developed to predict the effect of missense changes on protein structure and function are either unavailable or do not agree on the potential impact of this missense change (SIFT: "Deleterious"; PolyPhen-2: "Benign"; Align-GVGD: "Class C25"). Variants that disrupt the consensus splice site are a relatively common cause of aberrant splicing (PMID: 17576681, 9536098). Algorithms developed to predict the effect of sequence changes on RNA splicing suggest that this variant may disrupt the consensus splice site. In summary, the available evidence is currently insufficient to determine the role of this variant in disease. Therefore, it has been classified as a Variant of Uncertain Significance.

Literature cited by the submitters: PubMed 17576681; PubMed 9536098.